The following is an entry in ClinVar:

ClinVar aggregate classification (germline): Uncertain significance (1 of 4 stars; one submission).

Conditions:
KCNT2-related disorder. Also called: KCNT2-related condition. Identifiers: MedGen CN236796.

Submission:

PreventionGenetics, part of Exact Sciences
Classification: Uncertain significance for KCNT2-related condition. Last evaluated: 2024-12-04. Review status: criteria provided, single submitter. Criteria: ACMG Guidelines, 2015. Collection method: clinical testing. Allele origin: germline.
Comment: The KCNT2 c.568C>T variant is predicted to result in the amino acid substitution p.Arg190Cys. To our knowledge, this variant has not been reported in the literature. Other changes affecting the same amino acid (p.Arg190His and p.Arg190Pro) have been reported as de novo variants in individuals affected with KCNT2-related disorders (Ambrosino et al. 2018. PubMed ID: 29740868; Jackson et al. 2021. PubMed ID: 34061450). This variant is reported in 0.00089% of alleles in individuals of European (Non-Finnish) descent in gnomAD. At this time, the clinical significance of this variant is uncertain due to the absence of conclusive functional and genetic evidence.

NM_198503.5(KCNT2):c.568C>T (p.Arg190Cys)

Gene: KCNT2 (potassium sodium-activated channel subfamily T member 2; minus strand). Cytogenetic location: 1q31.3.
Variant type: single nucleotide variant.
Coding change: c.568C>T on transcript NM_198503.5 (MANE Select); coding-DNA position 568, C replaced by T.
Protein change: p.Arg190Cys; replaces arginine 190 with cysteine.
Molecular consequence: missense variant. On other transcripts: non-coding transcript variant (2).
Genome position (GRCh38, 1-based): chr1:196,465,363, G>A on the plus strand (C>T on the coding strand, the complement: KCNT2 is on the minus strand). VCF-style: chr1-196465363-G-A. GRCh37 (hg19) VCF-style: chr1-196434493-G-A.
Other names: c.568C>T, p.Arg190Cys (NM_001287819.3, NM_001287820.3); short protein forms R190C.
Identifiers: ClinVar variation 4981299 (VCV004981299.1).